The following is an entry in ClinVar:

ClinVar aggregate classification (germline): Uncertain significance (1 of 4 stars; one submission).

Submission:

GeneDx
Classification: Uncertain significance. Last evaluated: 2026-03-18. Review status: criteria provided, single submitter. Criteria: GeneDx Variant Classification Process June 2021. Collection method: clinical testing. Allele origin: germline.
Comment: Not observed at significant frequency in large population cohorts (gnomAD); In silico analysis supports that this missense variant has a deleterious effect on protein structure/function; Has not been previously published as pathogenic or benign to our knowledge

NM_006885.4(ZFHX3):c.3769T>A (p.Cys1257Ser)

Genes: ZFHX3 (zinc finger homeobox 3; minus strand), ZFHX3-AS1 (ZFHX3 antisense RNA 1; plus strand). Cytogenetic location: 16q22.3.
Variant type: single nucleotide variant.
Coding change: c.3769T>A on transcript NM_006885.4 (MANE Select); coding-DNA position 3769, T replaced by A.
Protein change: p.Cys1257Ser; replaces cysteine 1257 with serine.
Molecular consequence: missense variant.
Genome position (GRCh38, 1-based): chr16:72,811,672, A>T on the plus strand (T>A on the coding strand, the complement: ZFHX3 is on the minus strand). VCF-style: chr16-72811672-A-T. GRCh37 (hg19) VCF-style: chr16-72845571-A-T.
Other names: c.1027T>A, p.Cys343Ser (NM_001164766.2); c.3769T>A, p.Cys1257Ser (NM_001386735.1); short protein forms C1257S, C343S.
Identifiers: ClinVar variation 5009450 (VCV005009450.1).